The following is an entry in ClinVar:

NM_080911.3(UNG):c.271C>G (p.Pro91Ala)

Gene: UNG (uracil DNA glycosylase; plus strand). Cytogenetic location: 12q24.11.
Variant type: single nucleotide variant.
Coding change: c.271C>G on transcript NM_080911.3 (MANE Select); coding-DNA position 271, C replaced by G.
Protein change: p.Pro91Ala; replaces proline 91 with alanine.
Molecular consequence: missense variant.
Genome position (GRCh38, 1-based): chr12:109,098,570, C>G. VCF-style: chr12-109098570-C-G. GRCh37 (hg19) VCF-style: chr12-109536375-C-G.
Other names: c.244C>G, p.Pro82Ala (NM_003362.4); short protein forms P82A, P91A.
Identifiers: ClinVar variation 1058940 (VCV001058940.9), dbSNP rs2135882421, ClinGen allele CA386469936.

ClinVar aggregate classification (germline): Uncertain significance (1 of 4 stars; one submission).

Conditions:
Hyper-IgM syndrome type 5 (HIGM5). Also called: Hyper-IgM Immunodeficiency Syndrome, Type 5. Identifiers: Orphanet 101092, MedGen C1720958, MONDO:0011971, OMIM 608106.

Submission:

Labcorp Genetics (formerly Invitae), Labcorp
Classification: Uncertain significance for Hyper-IgM syndrome type 5. Last evaluated: 2022-07-06. Review status: criteria provided, single submitter. Criteria: Invitae Variant Classification Sherloc (09022015). Collection method: clinical testing. Allele origin: germline.
Comment: This variant is not present in population databases (gnomAD no frequency). This sequence change replaces proline, which is neutral and non-polar, with alanine, which is neutral and non-polar, at codon 91 of the UNG protein (p.Pro91Ala). In summary, the available evidence is currently insufficient to determine the role of this variant in disease. Therefore, it has been classified as a Variant of Uncertain Significance. Algorithms developed to predict the effect of missense changes on protein structure and function are either unavailable or do not agree on the potential impact of this missense change (SIFT: "Deleterious"; PolyPhen-2: "Benign"; Align-GVGD: "Class C0"). ClinVar contains an entry for this variant (Variation ID: 1058940). This variant has not been reported in the literature in individuals affected with UNG-related conditions.